The following is an entry in ClinVar:

NM_015915.5(ATL1):c.463T>C (p.Ser155Pro)

Gene: ATL1 (atlastin GTPase 1; plus strand). Cytogenetic location: 14q22.1.
Variant type: single nucleotide variant.
Coding change: c.463T>C on transcript NM_015915.5 (MANE Select); coding-DNA position 463, T replaced by C.
Protein change: p.Ser155Pro; replaces serine 155 with proline.
Molecular consequence: missense variant.
Genome position (GRCh38, 1-based): chr14:50,591,580, T>C. VCF-style: chr14-50591580-T-C. GRCh37 (hg19) VCF-style: chr14-51058298-T-C.
Other names: c.463T>C, p.Ser155Pro (NM_001127713.1, NM_181598.4); short protein forms S155P.
Identifiers: ClinVar variation 2862929 (VCV002862929.3), dbSNP rs2504493636, ClinGen allele CA389667392.

ClinVar aggregate classification (germline): Uncertain significance (1 of 4 stars; one submission).

Conditions:
Hereditary spastic paraplegia 3A (SPG3A). Also called: SPASTIC PARAPLEGIA 3, AUTOSOMAL DOMINANT; FAMILIAL SPASTIC PARAPLEGIA, AUTOSOMAL DOMINANT, 1; SPG3; STRUMPELL DISEASE; Spastic Paraplegia 3A; Spastic paraplegia 3A, autosomal dominant. Identifiers: Orphanet 100984, MedGen C2931355, MONDO:0008437, OMIM 182600.

Submission:

Labcorp Genetics (formerly Invitae), Labcorp
Classification: Uncertain significance for Hereditary spastic paraplegia 3A. Last evaluated: 2023-05-09. Review status: criteria provided, single submitter. Criteria: Invitae Variant Classification Sherloc (09022015). Collection method: clinical testing. Allele origin: germline.
Comment: This variant is not present in population databases (gnomAD no frequency). This sequence change replaces serine, which is neutral and polar, with proline, which is neutral and non-polar, at codon 155 of the ATL1 protein (p.Ser155Pro). This variant has not been reported in the literature in individuals affected with ATL1-related conditions. In summary, the available evidence is currently insufficient to determine the role of this variant in disease. Therefore, it has been classified as a Variant of Uncertain Significance. Advanced modeling of protein sequence and biophysical properties (such as structural, functional, and spatial information, amino acid conservation, physicochemical variation, residue mobility, and thermodynamic stability) performed at Invitae indicates that this missense variant is expected to disrupt ATL1 protein function.